The following is an entry in ClinVar:

ClinVar aggregate classification (germline): Likely benign. Review status: criteria provided, multiple submitters, no conflicts (2 of 4 stars). 4 submissions from 4 submitters: Likely benign (3). 1 of the submissions does not count toward it. Last evaluated 2025-12-08.

Conditions:
CEP135-related disorder. Also called: CEP135-related condition.

Allele frequency attached by ClinVar (database versions not stated): gnomAD exomes 0.00021 and 0.00066; ExAC 0.00080; gnomAD 0.00233 and 0.00252; TOPMed 0.00242; ESP Exome Variant Server 0.00254; 1000 Genomes Project 0.00280; 1000 Genomes Project 30x 0.00297.
gnomAD v4.1: 682 of 1,614,210 alleles (0.042%); highest among the groups gnomAD compares: African/African-American, 0.79%; 1 homozygote.

Submissions (4):

Labcorp Genetics (formerly Invitae), Labcorp
Classification: Likely benign. Last evaluated: 2025-12-08. Review status: criteria provided, single submitter. Criteria: Invitae Variant Classification Sherloc (09022015). Collection method: clinical testing. Allele origin: germline.

CeGaT Center for Human Genetics Tuebingen
Classification: Likely benign. Last evaluated: 2023-07-01. Review status: criteria provided, single submitter. Criteria: CeGaT Center For Human Genetics Tuebingen Variant Classification Criteria Version 2. Collection method: clinical testing. Allele origin: germline. Affected: yes. Observed: 1 variant allele.
Comment: CEP135: BP4

Genetic Services Laboratory, University of Chicago
Classification: Likely benign. Last evaluated: 2016-04-15. Review status: criteria provided, single submitter. Criteria: ACMG Guidelines, 2015. Collection method: clinical testing. Allele origin: germline. Affected: no.

PreventionGenetics, part of Exact Sciences
Classification: Benign for CEP135-related condition. Last evaluated: 2019-05-02. Review status: no assertion criteria provided. Collection method: clinical testing. Allele origin: germline. Not counted in ClinVar's aggregate classification.
Comment: This variant is classified as benign based on ACMG/AMP sequence variant interpretation guidelines (Richards et al. 2015 PMID: 25741868, with internal and published modifications).

NM_025009.5(CEP135):c.2065A>G (p.Ile689Val)

Gene: CEP135 (centrosomal protein 135; plus strand). Cytogenetic location: 4q12.
Variant type: single nucleotide variant.
Coding change: c.2065A>G on transcript NM_025009.5 (MANE Select); coding-DNA position 2065, A replaced by G.
Protein change: p.Ile689Val; replaces isoleucine 689 with valine.
Molecular consequence: missense variant.
Genome position (GRCh38, 1-based): chr4:55,999,357, A>G. VCF-style: chr4-55999357-A-G. GRCh37 (hg19) VCF-style: chr4-56865523-A-G.
Other names: short protein forms I689V.
Identifiers: ClinVar variation 434722 (VCV000434722.40), dbSNP rs139407231, ClinGen allele CA2928047.